The following is an entry in ClinVar:

ClinVar aggregate classification (germline): Uncertain significance (1 of 4 stars; one submission).

Conditions:
JPH2-related disorder. Also called: JPH2-related condition.

Submission:

PreventionGenetics, part of Exact Sciences
Classification: Uncertain significance for JPH2-related condition. Last evaluated: 2023-04-14. Review status: criteria provided, single submitter. Criteria: ACMG Guidelines, 2015. Collection method: clinical testing. Allele origin: germline.
Comment: The JPH2 c.1472C>A variant is predicted to result in the amino acid substitution p.Pro491His. To our knowledge, this variant has not been reported in the literature or in a large population database, indicating this variant is rare. At this time, the clinical significance of this variant is uncertain due to the absence of conclusive functional and genetic evidence.

NM_020433.5(JPH2):c.1472C>A (p.Pro491His)

Gene: JPH2 (junctophilin 2; minus strand). Cytogenetic location: 20q13.12.
Variant type: single nucleotide variant.
Coding change: c.1472C>A on transcript NM_020433.5 (MANE Select); coding-DNA position 1472, C replaced by A.
Protein change: p.Pro491His; replaces proline 491 with histidine.
Molecular consequence: missense variant.
Genome position (GRCh38, 1-based): chr20:44,116,203, G>T on the plus strand (C>A on the coding strand, the complement: JPH2 is on the minus strand). VCF-style: chr20-44116203-G-T. GRCh37 (hg19) VCF-style: chr20-42744843-G-T.
Other names: short protein forms P491H.
Identifiers: ClinVar variation 2633141 (VCV002633141.1), dbSNP rs2515718355, ClinGen allele CA409100560.
Genomic context (GRCh38, chr20:44,116,203, plus strand): 5'-GCGCCTGGGCTCAGCAGGCCGTCCTTGGACACCCCGGGCCTGGGCCGCTTGGGCTGCGGG[G>T]GCGTCCCGGCCGGTGACGGGGAGCCACCCTCGGGCCGAGGGGTCTCACGCTCGTGCAGCT-3'
Protein context (NP_065166.2, residues 481-501): EGGSPSPAGT[Pro491His]PQPKRPRPGV